The following is an entry in ClinVar:

NM_000179.3(MSH6):c.3800T>G (p.Met1267Arg)

Gene: MSH6 (mutS homolog 6; plus strand). Cytogenetic location: 2p16.3.
Variant type: single nucleotide variant.
Coding change: c.3800T>G on transcript NM_000179.3 (MANE Select); coding-DNA position 3800, T replaced by G.
Protein change: p.Met1267Arg; replaces methionine 1267 with arginine.
Molecular consequence: missense variant.
Genome position (GRCh38, 1-based): chr2:47,806,357, T>G. VCF-style: chr2-47806357-T-G. GRCh37 (hg19) VCF-style: chr2-48033496-T-G.
Other names: c.3410T>G, p.Met1137Arg (NM_001281492.2); c.2894T>G, p.Met965Arg (NM_001281493.2, NM_001281494.2); c.3800T>G (NM_000179.2); short protein forms M1137R, M1267R, M965R.
Identifiers: ClinVar variation 1009510 (VCV001009510.10), dbSNP rs148445930, ClinGen allele CA346761196.

ClinVar aggregate classification (germline): Uncertain significance. Review status: criteria provided, multiple submitters, no conflicts (2 of 4 stars). 2 submissions from 2 submitters: Uncertain significance (2). Last evaluated 2025-12-11.

Conditions:
Hereditary nonpolyposis colorectal neoplasms. Identifiers: MedGen C0009405, MeSH D003123.
Hereditary cancer-predisposing syndrome. Also called: Tumor predisposition; Hereditary neoplastic syndrome; Neoplastic Syndromes, Hereditary; Hereditary Cancer Syndrome. Identifiers: Orphanet 140162, MedGen C0027672, MeSH D009386, MONDO:0015356.

Submissions (2):

Ambry Genetics
Classification: Uncertain significance for Hereditary cancer-predisposing syndrome. Last evaluated: 2025-12-11. Review status: criteria provided, single submitter. Criteria: Ambry Variant Classification Scheme 2023. Collection method: clinical testing. Allele origin: germline.
Comment: The p.M1267R variant (also known as c.3800T>G), located in coding exon 8 of the MSH6 gene, results from a T to G substitution at nucleotide position 3800. The methionine at codon 1267 is replaced by arginine, an amino acid with similar properties. This variant has been identified in a proband(s) whose Lynch syndrome-associated tumor demonstrated loss of MSH6 expression by immunohistochemistry (Li S et al. J. Med. Genet. 2020 Jan;57:62-69; Ambry internal data). This amino acid position is highly conserved in available vertebrate species. In addition, this alteration is predicted to be deleterious by in silico analysis. Based on the available evidence, the clinical significance of this variant remains unclear.

Labcorp Genetics (formerly Invitae), Labcorp
Classification: Uncertain significance for Hereditary nonpolyposis colorectal neoplasms. Last evaluated: 2024-11-21. Review status: criteria provided, single submitter. Criteria: Invitae Variant Classification Sherloc (09022015). Collection method: clinical testing. Allele origin: germline.
Comment: This sequence change replaces methionine, which is neutral and non-polar, with arginine, which is basic and polar, at codon 1267 of the MSH6 protein (p.Met1267Arg). This variant is not present in population databases (gnomAD no frequency). This variant has not been reported in the literature in individuals affected with MSH6-related conditions. ClinVar contains an entry for this variant (Variation ID: 1009510). An algorithm developed to predict the effect of missense changes on protein structure and function (PolyPhen-2) suggests that this variant is likely to be disruptive. In summary, the available evidence is currently insufficient to determine the role of this variant in disease. Therefore, it has been classified as a Variant of Uncertain Significance.